The following is an entry in ClinVar:

NM_001358530.2(MOCS1):c.583+6C>A

Gene: MOCS1 (molybdenum cofactor synthesis 1; minus strand). Cytogenetic location: 6p21.2.
Variant type: single nucleotide variant.
Coding change: c.583+6C>A on transcript NM_001358530.2 (MANE Select); 6 bases into the intron after coding-DNA position 583, C replaced by A.
Molecular consequence: intron variant.
Genome position (GRCh38, 1-based): chr6:39,916,062, G>T on the plus strand (C>A on the coding strand, the complement: MOCS1 is on the minus strand). VCF-style: chr6-39916062-G-T. GRCh37 (hg19) VCF-style: chr6-39883806-G-T.
Other names: c.322+6C>A (NM_001358531.2, NM_001358533.2, NM_001358534.2); c.583+6C>A (NM_001358529.2, NM_001075098.4, NM_005943.6).
Identifiers: ClinVar variation 1404724 (VCV001404724.6), dbSNP rs111409017, ClinGen allele CA137652714.

ClinVar aggregate classification (germline): Uncertain significance (1 of 4 stars; one submission).

Conditions:
Sulfite oxidase deficiency due to molybdenum cofactor deficiency type A. Also called: Molybdenum cofactor deficiency, complementation group A; Molybdenum Cofactor Deficiency A. Identifiers: Orphanet 308386, Orphanet 833, MedGen C1854988, MONDO:0009643, OMIM 252150.

gnomAD v4.1: 1 of 1,601,718 alleles (0.000062%); highest among the groups gnomAD compares: Admixed American, 0.0017%; no homozygotes.

Submission:

Labcorp Genetics (formerly Invitae), Labcorp
Classification: Uncertain significance for Sulfite oxidase deficiency due to molybdenum cofactor deficiency type A. Last evaluated: 2022-02-04. Review status: criteria provided, single submitter. Criteria: Invitae Variant Classification Sherloc (09022015). Collection method: clinical testing. Allele origin: germline.
Comment: This variant has not been reported in the literature in individuals affected with MOCS1-related conditions. This variant is not present in population databases (gnomAD no frequency). This sequence change falls in intron 4 of the MOCS1 gene. It does not directly change the encoded amino acid sequence of the MOCS1 protein. It affects a nucleotide within the consensus splice site. Variants that disrupt the consensus splice site are a relatively common cause of aberrant splicing (PMID: 17576681, 9536098). Algorithms developed to predict the effect of sequence changes on RNA splicing suggest that this variant is not likely to affect RNA splicing. In summary, the available evidence is currently insufficient to determine the role of this variant in disease. Therefore, it has been classified as a Variant of Uncertain Significance.

Literature cited by the submitters: PubMed 17576681; PubMed 9536098.